The following is an entry in ClinVar:

ClinVar aggregate classification (germline): Uncertain significance (0 of 4 stars; one submission).

Conditions:
CHMP2B-related disorder. Also called: CHMP2B-related condition.

gnomAD v4.1: 3 of 1,614,094 alleles (0.00019%); highest among the groups gnomAD compares: African/African-American, 0.0013%; no homozygotes.

Submission:

PreventionGenetics, part of Exact Sciences
Classification: Uncertain significance for CHMP2B-related condition. Last evaluated: 2024-05-15. Review status: no assertion criteria provided. Collection method: clinical testing. Allele origin: germline.
Comment: The CHMP2B c.1A>G variant is predicted to disrupt the translation initiation site (Start Loss). To our knowledge, this variant has not been reported in the literature or in gnomAD, indicating this variant is rare. At this time, the clinical significance of this variant is uncertain due to the absence of conclusive functional and genetic evidence.

NM_014043.4(CHMP2B):c.32A>G (p.Asp11Gly)

Gene: CHMP2B (charged multivesicular body protein 2B; plus strand). Cytogenetic location: 3p11.2.
Variant type: single nucleotide variant.
Coding change: c.32A>G on transcript NM_014043.4 (MANE Select); coding-DNA position 32, A replaced by G.
Protein change: p.Asp11Gly; replaces aspartic acid 11 with glycine.
Molecular consequence: missense variant. On other transcripts: initiator codon variant (2).
Genome position (GRCh38, 1-based): chr3:87,227,554, A>G. VCF-style: chr3-87227554-A-G. GRCh37 (hg19) VCF-style: chr3-87276704-A-G.
Other names: c.1A>G, p.Met1Val (NM_001244644.2, NM_001410777.1); short protein forms D11G, M1V.
Identifiers: ClinVar variation 3358684 (VCV003358684.1).